The following is an entry in ClinVar:

NM_138420.4(AHNAK2):c.5884A>G (p.Lys1962Glu)

Gene: AHNAK2 (AHNAK nucleoprotein 2; minus strand). Cytogenetic location: 14q32.33.
Variant type: single nucleotide variant.
Coding change: c.5884A>G on transcript NM_138420.4 (MANE Select); coding-DNA position 5884, A replaced by G.
Protein change: p.Lys1962Glu; replaces lysine 1962 with glutamic acid.
Molecular consequence: missense variant.
Genome position (GRCh38, 1-based): chr14:104,949,567, T>C on the plus strand (A>G on the coding strand, the complement: AHNAK2 is on the minus strand). VCF-style: chr14-104949567-T-C. GRCh37 (hg19) VCF-style: chr14-105415904-T-C.
Other names: c.5584A>G, p.Lys1862Glu (NM_001350929.2); c.5884A>G (NM_138420.2); short protein forms K1862E, K1962E.
Identifiers: ClinVar variation 2644774 (VCV002644774.24), dbSNP rs769923567, ClinGen allele CA7381466.

ClinVar aggregate classification (germline): Conflicting classifications of pathogenicity. Review status: criteria provided, conflicting classifications (1 of 4 stars). 2 submissions from 2 submitters: Uncertain significance (1); Likely benign (1). Last evaluated 2025-03-30.

Allele frequency attached by ClinVar (database versions not stated): ExAC 0.00001; gnomAD exomes 0.00001; gnomAD 0.00009.
gnomAD v4.1: 25 of 1,586,742 alleles (0.0016%); highest among the groups gnomAD compares: African/African-American, 0.029%; 2 homozygotes.

Submissions (2):

Ambry Genetics
Classification: Uncertain significance. Last evaluated: 2025-03-30. Review status: criteria provided, single submitter. Criteria: Ambry Variant Classification Scheme 2023. Collection method: clinical testing. Allele origin: germline.

CeGaT Center for Human Genetics Tuebingen
Classification: Likely benign. Last evaluated: 2022-03-01. Review status: criteria provided, single submitter. Criteria: CeGaT Center For Human Genetics Tuebingen Variant Classification Criteria Version 2. Collection method: clinical testing. Allele origin: germline. Affected: yes. Observed: 1 variant allele.
Comment: AHNAK2: BP4, BS2